The following is an entry in ClinVar:

NM_004064.5(CDKN1B):c.445G>T (p.Ala149Ser)

Gene: CDKN1B (cyclin dependent kinase inhibitor 1B; plus strand). Cytogenetic location: 12p13.1.
Variant type: single nucleotide variant.
Coding change: c.445G>T on transcript NM_004064.5 (MANE Select); coding-DNA position 445, G replaced by T.
Protein change: p.Ala149Ser; replaces alanine 149 with serine.
Molecular consequence: missense variant.
Genome position (GRCh38, 1-based): chr12:12,718,284, G>T. VCF-style: chr12-12718284-G-T. GRCh37 (hg19) VCF-style: chr12-12871218-G-T.
Other names: c.445G>T (NM_004064.3); short protein forms A149S.
Identifiers: ClinVar variation 952036 (VCV000952036.11), dbSNP rs771553626, ClinGen allele CA383970825.

ClinVar aggregate classification (germline): Uncertain significance. Review status: criteria provided, multiple submitters, no conflicts (2 of 4 stars). 2 submissions from 2 submitters: Uncertain significance (2). Last evaluated 2026-08-17.

Conditions:
Hereditary cancer-predisposing syndrome. Also called: Neoplastic Syndromes, Hereditary; Hereditary Cancer Syndrome; Tumor predisposition; Hereditary neoplastic syndrome. Identifiers: Orphanet 140162, MedGen C0027672, MeSH D009386, MONDO:0015356.
Multiple endocrine neoplasia type 4. Also called: MULTIPLE ENDOCRINE NEOPLASIA, TYPE IV. Identifiers: Orphanet 276152, MedGen C1970712, MONDO:0012552, OMIM 610755.

Allele frequency attached by ClinVar (database versions not stated): TOPMed below 0.00001.

Submissions (2):

Ambry Genetics
Classification: Uncertain significance for Hereditary cancer-predisposing syndrome. Last evaluated: 2026-08-17. Review status: criteria provided, single submitter. Criteria: Ambry Variant Classification Scheme 2023. Collection method: clinical testing. Allele origin: germline.

Labcorp Genetics (formerly Invitae), Labcorp
Classification: Uncertain significance for Multiple endocrine neoplasia type 4. Last evaluated: 2024-01-31. Review status: criteria provided, single submitter. Criteria: Invitae Variant Classification Sherloc (09022015). Collection method: clinical testing. Allele origin: germline.
Comment: This sequence change replaces alanine, which is neutral and non-polar, with serine, which is neutral and polar, at codon 149 of the CDKN1B protein (p.Ala149Ser). This variant is not present in population databases (gnomAD no frequency). This variant has not been reported in the literature in individuals affected with CDKN1B-related conditions. ClinVar contains an entry for this variant (Variation ID: 952036). An algorithm developed to predict the effect of missense changes on protein structure and function (PolyPhen-2) suggests that this variant is likely to be tolerated. In summary, the available evidence is currently insufficient to determine the role of this variant in disease. Therefore, it has been classified as a Variant of Uncertain Significance.